The following is an entry in ClinVar:

ClinVar aggregate classification (germline): Uncertain significance (1 of 4 stars; one submission).

Allele frequency attached by ClinVar (database versions not stated): ExAC 0.00001; gnomAD 0.00003; TOPMed 0.00004.
gnomAD v4.1: 52 of 1,613,816 alleles (0.0032%); highest among the groups gnomAD compares: Admixed American, 0.017%; no homozygotes.

Submission:

Labcorp Genetics (formerly Invitae), Labcorp
Classification: Uncertain significance. Last evaluated: 2023-11-10. Review status: criteria provided, single submitter. Criteria: Invitae Variant Classification Sherloc (09022015). Collection method: clinical testing. Allele origin: germline.
Comment: This sequence change replaces proline, which is neutral and non-polar, with leucine, which is neutral and non-polar, at codon 640 of the BMPER protein (p.Pro640Leu). This variant is present in population databases (rs774770661, gnomAD 0.01%). This variant has not been reported in the literature in individuals affected with BMPER-related conditions. Advanced modeling of protein sequence and biophysical properties (such as structural, functional, and spatial information, amino acid conservation, physicochemical variation, residue mobility, and thermodynamic stability) performed at Invitae indicates that this missense variant is expected to disrupt BMPER protein function with a positive predictive value of 80%. In summary, the available evidence is currently insufficient to determine the role of this variant in disease. Therefore, it has been classified as a Variant of Uncertain Significance.

NM_001365308.1(BMPER):c.1919C>T (p.Pro640Leu)

Gene: BMPER (BMP binding endothelial regulator; plus strand). Cytogenetic location: 7p14.3.
Variant type: single nucleotide variant.
Coding change: c.1919C>T on transcript NM_001365308.1 (MANE Select); coding-DNA position 1919, C replaced by T.
Protein change: p.Pro640Leu; replaces proline 640 with leucine.
Molecular consequence: missense variant.
Genome position (GRCh38, 1-based): chr7:34,153,134, C>T. VCF-style: chr7-34153134-C-T. GRCh37 (hg19) VCF-style: chr7-34192746-C-T.
Other names: c.1589C>T, p.Pro530Leu (NM_001410872.1); c.1919C>T, p.Pro640Leu (NM_133468.5); short protein forms P530L, P640L.
Identifiers: ClinVar variation 2852651 (VCV002852651.1), dbSNP rs774770661, ClinGen allele CA4215562.